The following is an entry in ClinVar:

ClinVar aggregate classification (germline): Benign. Review status: criteria provided, multiple submitters, no conflicts (2 of 4 stars). 4 submissions from 4 submitters: Benign (4). Last evaluated 2021-07-14.

Conditions:
Systemic lupus erythematosus (SLE). Identifiers: Orphanet 536, MedGen C0024141, MONDO:0007915, OMIM 152700, HP:0002725.
Maturity-onset diabetes of the young type 11. Identifiers: Orphanet 552, MedGen C3150618, MONDO:0013242, OMIM 613375.

Allele frequency attached by ClinVar (database versions not stated): 1000 Genomes Project 30x 0.89663; TOPMed 0.90107; 1000 Genomes Project 0.90196; gnomAD 0.90656 and 0.91134; gnomAD exomes 0.97631.
gnomAD v4.1: 957,638 of 991,444 alleles (97%); highest among the groups gnomAD compares: East Asian, 100%; 464,506 homozygotes.

Submissions (4):

Genome-Nilou Lab
Classification: Benign for Maturity-onset diabetes of the young type 11. Last evaluated: 2021-07-14. Review status: criteria provided, single submitter. Criteria: ACMG Guidelines, 2015. Collection method: clinical testing. Allele origin: germline. Affected: no.

GeneDx
Classification: Benign. Last evaluated: 2018-08-09. Review status: criteria provided, single submitter. Criteria: GeneDx Variant Classification Process June 2021. Collection method: clinical testing. Allele origin: germline. Affected: yes.

Breakthrough Genomics
Classification: Benign. Review status: criteria provided, single submitter. Criteria: ACMG Guidelines, 2015. Collection method: not provided. Allele origin: germline. Inheritance: Autosomal dominant inheritance. Affected: yes.

Clinical Genomics, Uppaluri K&H Personalized Medicine Clinic
Classification: Benign for Systemic lupus erythematosus. Review status: criteria provided, single submitter. Criteria: K & H Uppaluri Personalized Medicine Clinic Variant Classification & Assertion Criteria_Updated V.1. Collection method: research. Allele origin: unknown.
Comment: BLK gene is associated with Systemic lupus erythematosus, sjogren's syndrome and other systemic inflammatory conditions. However no sufficient evidence is found to ascertain the role of this particular variant rs6994605, yet.

Literature cited by the submitters: PubMed 32313195 (cited by Clinical Genomics, Uppaluri K&H Personalized Medicine Clinic); PubMed 19667185 (cited by Clinical Genomics, Uppaluri K&H Personalized Medicine Clinic); PubMed 18204098 (cited by Clinical Genomics, Uppaluri K&H Personalized Medicine Clinic); PubMed 24023612 (cited by Clinical Genomics, Uppaluri K&H Personalized Medicine Clinic); PubMed 31670388 (cited by Clinical Genomics, Uppaluri K&H Personalized Medicine Clinic).

NM_001715.3(BLK):c.176-104G>A

Gene: BLK (BLK proto-oncogene, Src family tyrosine kinase). Cytogenetic location: 8p23.1.
Variant type: single nucleotide variant.
Coding change: c.176-104G>A on transcript NM_001715.3 (MANE Select); 104 bases into the intron before coding-DNA position 176, G replaced by A.
Molecular consequence: intron variant.
Genome position (GRCh38, 1-based): chr8:11,547,928, G>A. VCF-style: chr8-11547928-G-A. GRCh37 (hg19) VCF-style: chr8-11405437-G-A.
Other names: c.-38-104G>A (NM_001330465.2).
Identifiers: ClinVar variation 1192425 (VCV001192425.7), dbSNP rs6994605, ClinGen allele CA16326343.
Genomic context (GRCh38, chr8:11,547,928, plus strand): 5'-CTGGTGGGGTCACAGGGCTGGGGGTGGGGGCCTGTGCTGGGTGAGAACATCATTTCCATC[G>A]TGGGCAAGCAGAAGCCTGTCCTCCTTGGTAGCCAGGCTCACCCCAGCCCCACCTTCCCGC-3'